The following is an entry in ClinVar:

ClinVar aggregate classification (germline): Uncertain significance (1 of 4 stars; one submission).

gnomAD v4.1: 4 of 1,613,376 alleles (0.00025%); highest among the groups gnomAD compares: Non-Finnish European, 0.00034%; no homozygotes.

Submission:

Women's Health and Genetics/Laboratory Corporation of America, LabCorp
Classification: Uncertain significance. Last evaluated: 2024-12-09. Review status: criteria provided, single submitter. Criteria: LabCorp Variant Classification Summary - May 2015. Collection method: clinical testing. Allele origin: germline.
Comment: Variant summary: TTN c.70318G>A (p.Val23440Ile) results in a conservative amino acid change in the encoded protein sequence. Two of three in-silico tools predict a benign effect of the variant on protein function. The variant allele was found at a frequency of 8.1e-06 in 248114 control chromosomes. The available data on variant occurrences in the general population are insufficient to allow any conclusion about variant significance. To our knowledge, no occurrence of c.70318G>A in individuals affected with TTN-related conditions and no experimental evidence demonstrating its impact on protein function have been reported. No submitters have cited clinical-significance assessments for this variant to ClinVar. Based on the evidence outlined above, the variant was classified as uncertain significance.

NM_001267550.2(TTN):c.78022G>A (p.Val26008Ile)

Genes: TTN (titin; minus strand), TTN-AS1 (TTN antisense RNA 1; plus strand). Cytogenetic location: 2q31.2.
Variant type: single nucleotide variant.
Coding change: c.78022G>A on transcript NM_001267550.2 (MANE Select); coding-DNA position 78022, G replaced by A.
Protein change: p.Val26008Ile; replaces valine 26008 with isoleucine.
Molecular consequence: missense variant.
Genome position (GRCh38, 1-based): chr2:178,568,110, C>T on the plus strand (G>A on the coding strand, the complement: TTN is on the minus strand). VCF-style: chr2-178568110-C-T. GRCh37 (hg19) VCF-style: chr2-179432837-C-T.
Other names: c.73099G>A, p.Val24367Ile (NM_001256850.1); c.50827G>A, p.Val16943Ile (NM_003319.4); c.70318G>A, p.Val23440Ile (NM_133378.4); c.51202G>A, p.Val17068Ile (NM_133432.3); c.51403G>A, p.Val17135Ile (NM_133437.4); short protein forms V16943I, V17068I, V17135I, V23440I, V24367I, V26008I.
Identifiers: ClinVar variation 3768197 (VCV003768197.1).